The following is an entry in ClinVar:

ClinVar aggregate classification (germline): Uncertain significance. Review status: criteria provided, multiple submitters, no conflicts (2 of 4 stars). 4 submissions from 4 submitters: Uncertain significance (4). Last evaluated 2025-08-04.

Conditions:
Inborn genetic diseases. Identifiers: MedGen C0950123, MeSH D030342.
Cohen syndrome (COH1). Also called: Cutis verticis gyrata, retinitis pigmentosa, and sensorineural deafness; PEPPER SYNDROME. Identifiers: Orphanet 193, MedGen C0265223, MONDO:0008999, OMIM 216550.
VPS13B-related disorder. Also called: VPS13B-related condition.

Allele frequency attached by ClinVar (database versions not stated): TOPMed 0.00001; gnomAD exomes below 0.00001.
gnomAD v4.1: 1 of 1,613,990 alleles (0.000062%); highest among the groups gnomAD compares: Admixed American, 0.0017%; no homozygotes.

Submissions (4):

PreventionGenetics, part of Exact Sciences
Classification: Uncertain significance for VPS13B-related condition. Last evaluated: 2025-08-04. Review status: criteria provided, single submitter. Criteria: ACMG Guidelines, 2015. Collection method: clinical testing. Allele origin: germline.
Comment: The VPS13B c.3249T>A variant is predicted to result in the amino acid substitution p.Asp1083Glu. To our knowledge, this variant has not been reported in the literature. This variant is reported in 0.0029% of alleles in individuals of Latino descent in gnomAD. At this time, the clinical significance of this variant is uncertain due to the absence of conclusive functional and genetic evidence.

Labcorp Genetics (formerly Invitae), Labcorp
Classification: Uncertain significance for Cohen syndrome. Last evaluated: 2025-04-26. Review status: criteria provided, single submitter. Criteria: Invitae Variant Classification Sherloc (09022015). Collection method: clinical testing. Allele origin: germline.
Comment: This sequence change replaces aspartic acid, which is acidic and polar, with glutamic acid, which is acidic and polar, at codon 1083 of the VPS13B protein (p.Asp1083Glu). This variant is present in population databases (no rsID available, gnomAD 0.003%). This variant has not been reported in the literature in individuals affected with VPS13B-related conditions. ClinVar contains an entry for this variant (Variation ID: 1486327). Invitae Evidence Modeling of protein sequence and biophysical properties (such as structural, functional, and spatial information, amino acid conservation, physicochemical variation, residue mobility, and thermodynamic stability) indicates that this missense variant is not expected to disrupt VPS13B protein function with a negative predictive value of 80%. In summary, the available evidence is currently insufficient to determine the role of this variant in disease. Therefore, it has been classified as a Variant of Uncertain Significance.

Blueprint Genetics
Classification: Uncertain significance. Last evaluated: 2022-04-23. Review status: criteria provided, single submitter. Criteria: ACMG Guidelines, 2015. Collection method: clinical testing. Allele origin: germline.

Ambry Genetics
Classification: Uncertain significance for Inborn genetic diseases. Last evaluated: 2018-03-10. Review status: criteria provided, single submitter. Criteria: Ambry Variant Classification Scheme 2023. Collection method: clinical testing. Allele origin: germline.
Comment: The p.D1083E variant (also known as c.3249T>A), located in coding exon 22 of the VPS13B gene, results from a T to A substitution at nucleotide position 3249. The aspartic acid at codon 1083 is replaced by glutamic acid, an amino acid with highly similar properties. This amino acid position is well conserved in available vertebrate species. In addition, this alteration is predicted to be tolerated by in silico analysis. Since supporting evidence is limited at this time, the clinical significance of this alteration remains unclear.

NM_152564.5(VPS13B):c.3249T>A (p.Asp1083Glu)

Gene: VPS13B (vacuolar protein sorting 13 homolog B; plus strand). Cytogenetic location: 8q22.2.
Variant type: single nucleotide variant.
Coding change: c.3249T>A on transcript NM_152564.5 (MANE Select); coding-DNA position 3249, T replaced by A.
Protein change: p.Asp1083Glu; replaces aspartic acid 1083 with glutamic acid.
Molecular consequence: missense variant.
Genome position (GRCh38, 1-based): chr8:99,442,439, T>A. VCF-style: chr8-99442439-T-A. GRCh37 (hg19) VCF-style: chr8-100454667-T-A.
Other names: c.3249T>A, p.Asp1083Glu (NM_017890.5); c.3249T>A (NM_152564.4); short protein forms D1083E.
Identifiers: ClinVar variation 1486327 (VCV001486327.10), dbSNP rs1196083061, ClinGen allele CA371870412.